The following is an entry in ClinVar:

NM_000719.7(CACNA1C):c.1693G>T (p.Ala565Ser)

Gene: CACNA1C (calcium voltage-gated channel subunit alpha1 C; plus strand). Cytogenetic location: 12p13.33.
Variant type: single nucleotide variant.
Coding change: c.1693G>T on transcript NM_000719.7 (MANE Select); coding-DNA position 1693, G replaced by T.
Protein change: p.Ala565Ser; replaces alanine 565 with serine.
Molecular consequence: missense variant.
Genome position (GRCh38, 1-based): chr12:2,567,592, G>T. VCF-style: chr12-2567592-G-T. GRCh37 (hg19) VCF-style: chr12-2676758-G-T.
Other names: c.1693G>T, p.Ala565Ser (NM_001129834.2, NM_001129835.2, NM_001129836.2 and 18 more transcripts); c.1684G>T, p.Ala562Ser (NM_001129844.2); short protein forms A565S, A562S.
Identifiers: ClinVar variation 1964117 (VCV001964117.5), dbSNP rs777945001, ClinGen allele CA383368800.

ClinVar aggregate classification (germline): Uncertain significance. Review status: criteria provided, multiple submitters, no conflicts (2 of 4 stars). 2 submissions from 2 submitters: Uncertain significance (2). Last evaluated 2025-03-03.

Conditions:
Long QT syndrome (LQTS). Identifiers: MedGen C0023976, MeSH D008133, MONDO:0002442. Disease mechanism: loss of function. Inheritance: Various modes of inheritance.

Submissions (2):

Labcorp Genetics (formerly Invitae), Labcorp
Classification: Uncertain significance for Long QT syndrome. Last evaluated: 2025-03-03. Review status: criteria provided, single submitter. Criteria: Invitae Variant Classification Sherloc (09022015). Collection method: clinical testing. Allele origin: germline.
Comment: This sequence change replaces alanine, which is neutral and non-polar, with serine, which is neutral and polar, at codon 565 of the CACNA1C protein (p.Ala565Ser). This variant is not present in population databases (gnomAD no frequency). This variant has not been reported in the literature in individuals affected with CACNA1C-related conditions. ClinVar contains an entry for this variant (Variation ID: 1964117). Invitae Evidence Modeling of protein sequence and biophysical properties (such as structural, functional, and spatial information, amino acid conservation, physicochemical variation, residue mobility, and thermodynamic stability) indicates that this missense variant is not expected to disrupt CACNA1C protein function with a negative predictive value of 95%. In summary, the available evidence is currently insufficient to determine the role of this variant in disease. Therefore, it has been classified as a Variant of Uncertain Significance.

GeneDx
Classification: Uncertain significance. Last evaluated: 2023-06-22. Review status: criteria provided, single submitter. Criteria: GeneDx Variant Classification Process June 2021. Collection method: clinical testing. Allele origin: germline. Affected: yes.
Comment: Not observed at significant frequency in large population cohorts (gnomAD); In silico analysis supports that this missense variant does not alter protein structure/function; In silico analysis suggests this variant may impact gene splicing. In the absence of RNA/functional studies, the actual effect of this sequence change is unknown.; Has not been previously published as pathogenic or benign to our knowledge